The following is an entry in ClinVar:

ClinVar aggregate classification (germline): Uncertain significance (1 of 4 stars; one submission).

Conditions:
Fanconi anemia (FA). Also called: Fanconi's anemia. Identifiers: Orphanet 84, MedGen C0015625, MeSH D005199, MONDO:0019391.

Allele frequency attached by ClinVar (database versions not stated): gnomAD exomes below 0.00001.
gnomAD v4.1: 4 of 1,613,946 alleles (0.00025%); highest among the groups gnomAD compares: Non-Finnish European, 0.00034%; no homozygotes.

Submission:

Labcorp Genetics (formerly Invitae), Labcorp
Classification: Uncertain significance for Fanconi anemia. Last evaluated: 2022-10-19. Review status: criteria provided, single submitter. Criteria: Invitae Variant Classification Sherloc (09022015). Collection method: clinical testing. Allele origin: germline.
Comment: Advanced modeling of protein sequence and biophysical properties (such as structural, functional, and spatial information, amino acid conservation, physicochemical variation, residue mobility, and thermodynamic stability) performed at Invitae indicates that this missense variant is not expected to disrupt FANCI protein function. In summary, the available evidence is currently insufficient to determine the role of this variant in disease. Therefore, it has been classified as a Variant of Uncertain Significance. This variant has not been reported in the literature in individuals affected with FANCI-related conditions. This sequence change replaces arginine, which is basic and polar, with lysine, which is basic and polar, at codon 514 of the FANCI protein (p.Arg514Lys). This variant is not present in population databases (gnomAD no frequency).

NM_001113378.2(FANCI):c.1541G>A (p.Arg514Lys)

Gene: FANCI (FA complementation group I; plus strand). Cytogenetic location: 15q26.1.
Variant type: single nucleotide variant.
Coding change: c.1541G>A on transcript NM_001113378.2 (MANE Select); coding-DNA position 1541, G replaced by A.
Protein change: p.Arg514Lys; replaces arginine 514 with lysine.
Molecular consequence: missense variant.
Genome position (GRCh38, 1-based): chr15:89,281,793, G>A. VCF-style: chr15-89281793-G-A. GRCh37 (hg19) VCF-style: chr15-89825024-G-A.
Other names: c.1262G>A, p.Arg421Lys (NM_001376910.1); c.1541G>A, p.Arg514Lys (NM_001376911.1, NM_018193.3); short protein forms R421K, R514K.
Identifiers: ClinVar variation 2182496 (VCV002182496.4), dbSNP rs2506846425, ClinGen allele CA393744655.
Genomic context (GRCh38, chr15:89,281,793, plus strand): 5'-TGTTCTGTTTTTACCCACTGATTCTTTTTCAGCCCCTTCTCAAAGTCAGCATGTCAATGA[G>A]AGACTGCTTGATACTTGTCCTTCGGAAAGCTATGTTTGCCAAGTATGTAGCATCTTTTTC-3'
Protein context (NP_001106849.1, residues 504-524): QPLLKVSMSM[Arg514Lys]DCLILVLRKA